The following is an entry in ClinVar:

NM_021930.6(RINT1):c.307A>G (p.Ile103Val)

Gene: RINT1 (RAD50 interactor 1; plus strand). Cytogenetic location: 7q22.3.
Variant type: single nucleotide variant.
Coding change: c.307A>G on transcript NM_021930.6 (MANE Select); coding-DNA position 307, A replaced by G.
Protein change: p.Ile103Val; replaces isoleucine 103 with valine.
Molecular consequence: missense variant. On other transcripts: 5 prime UTR variant (3), non-coding transcript variant (1).
Genome position (GRCh38, 1-based): chr7:105,542,441, A>G. VCF-style: chr7-105542441-A-G. GRCh37 (hg19) VCF-style: chr7-105182888-A-G.
Other names: c.73A>G, p.Ile25Val (NM_001346599.2); c.-713A>G (NM_001346600.2); c.-616A>G (NM_001346601.2); c.-236A>G (NM_001346603.2); short protein forms I25V, I103V.
Identifiers: ClinVar variation 3433632 (VCV003433632.1).

ClinVar aggregate classification (germline): Uncertain significance (1 of 4 stars; one submission).

Submission:

Ambry Genetics
Classification: Uncertain significance. Last evaluated: 2024-10-08. Review status: criteria provided, single submitter. Criteria: Ambry Variant Classification Scheme 2023. Collection method: clinical testing. Allele origin: germline.
Comment: The p.I103V variant (also known as c.307A>G), located in coding exon 4 of the RINT1 gene, results from an A to G substitution at nucleotide position 307. The isoleucine at codon 103 is replaced by valine, an amino acid with highly similar properties. This amino acid position is conserved. In addition, this alteration is predicted to be tolerated by in silico analysis. Based on the available evidence, the clinical significance of this variant remains unclear.